The following is an entry in ClinVar:

NM_001035.3(RYR2):c.3598+6T>C

Gene: RYR2 (ryanodine receptor 2; plus strand). Cytogenetic location: 1q43.
Variant type: single nucleotide variant.
Coding change: c.3598+6T>C on transcript NM_001035.3 (MANE Select); 6 bases into the intron after coding-DNA position 3598, T replaced by C.
Molecular consequence: intron variant.
Genome position (GRCh38, 1-based): chr1:237,569,325, T>C. VCF-style: chr1-237569325-T-C. GRCh37 (hg19) VCF-style: chr1-237732625-T-C.
Identifiers: ClinVar variation 3071257 (VCV003071257.1), dbSNP rs1572910448, ClinGen allele CA2487392417.

ClinVar aggregate classification (germline): Uncertain significance (1 of 4 stars; one submission).

Conditions:
Catecholaminergic polymorphic ventricular tachycardia (CVPT). Also called: Catecholamine-induced polymorphic ventricular tachycardia. Identifiers: Orphanet 3286, MedGen C5574922, MONDO:0017990.

Allele frequency attached by ClinVar (database versions not stated): gnomAD exomes below 0.00001.
gnomAD v4.1: 1 of 1,612,646 alleles (0.000062%); highest among the groups gnomAD compares: Non-Finnish European, 0.000085%; no homozygotes.

Submission:

All of Us Research Program, National Institutes of Health
Classification: Uncertain significance for Catecholaminergic polymorphic ventricular tachycardia. Last evaluated: 2023-05-16. Review status: criteria provided, single submitter. Criteria: ACMG Guidelines, 2015. Collection method: clinical testing. Allele origin: germline. Inheritance: Autosomal dominant inheritance. Observed: 1 variant allele, 1 heterozygote.
Comment: This variant causes a T to C nucleotide substitution at the +6 position of intron 29 of the RYR2 gene. To our knowledge, functional studies have not been reported for this variant. This variant has not been reported in individuals affected with RYR2-related disorders in the literature. This variant has not been identified in the general population by the Genome Aggregation Database (gnomAD). The available evidence is insufficient to determine the role of this variant in disease conclusively. Therefore, this variant is classified as a Variant of Uncertain Significance.

This study involves interpretation of variants in research participants for the purpose of population health screening. Participant phenotype was not available at the time of variant classification. Additional details can be found in publication PMID: 35346344, PMCID: PMC8962531